The following is an entry in ClinVar:

NM_001001671.4(MAP3K15):c.2549C>T (p.Pro850Leu)

Gene: MAP3K15 (mitogen-activated protein kinase kinase kinase 15; minus strand). Cytogenetic location: Xp22.12.
Variant type: single nucleotide variant.
Coding change: c.2549C>T on transcript NM_001001671.4 (MANE Select); coding-DNA position 2549, C replaced by T.
Protein change: p.Pro850Leu; replaces proline 850 with leucine.
Molecular consequence: missense variant.
Genome position (GRCh38, 1-based): chrX:19,380,160, G>A on the plus strand (C>T on the coding strand, the complement: MAP3K15 is on the minus strand). VCF-style: chrX-19380160-G-A. GRCh37 (hg19) VCF-style: chrX-19398278-G-A.
Other names: short protein forms P850L.
Identifiers: ClinVar variation 2255530 (VCV002255530.4), dbSNP rs145004525, ClinGen allele CA10363729.

ClinVar aggregate classification (germline): Uncertain significance. Review status: criteria provided, single submitter (1 of 4 stars). 2 submissions from 2 submitters: Uncertain significance (1). 1 of the submissions does not count toward it. Last evaluated 2022-05-30.

Conditions:
MAP3K15-related disorder. Also called: MAP3K15-related condition.

Allele frequency attached by ClinVar (database versions not stated): gnomAD exomes 0.00033; ESP Exome Variant Server 0.00038; ExAC 0.00079.
gnomAD v4.1: 410 of 1,199,813 alleles (0.034%); highest among the groups gnomAD compares: Non-Finnish European, 0.023%; 1 homozygote.

Submissions (2):

Ambry Genetics
Classification: Uncertain significance. Last evaluated: 2022-05-30. Review status: criteria provided, single submitter. Criteria: Ambry Variant Classification Scheme 2023. Collection method: clinical testing. Allele origin: germline.

PreventionGenetics, part of Exact Sciences
Classification: Likely benign for MAP3K15-related condition. Last evaluated: 2019-04-11. Review status: no assertion criteria provided. Collection method: clinical testing. Allele origin: germline. Not counted in ClinVar's aggregate classification.
Comment: This variant is classified as likely benign based on ACMG/AMP sequence variant interpretation guidelines (Richards et al. 2015 PMID: 25741868, with internal and published modifications).